The following is an entry in ClinVar:

ClinVar aggregate classification (germline): Uncertain significance. Review status: criteria provided, multiple submitters, no conflicts (2 of 4 stars). 2 submissions from 2 submitters: Uncertain significance (2). Last evaluated 2023-02-18.

Submissions (2):

GeneDx
Classification: Uncertain significance. Last evaluated: 2023-02-18. Review status: criteria provided, single submitter. Criteria: GeneDx Variant Classification Process June 2021. Collection method: clinical testing. Allele origin: germline. Affected: yes.
Comment: Not observed at significant frequency in large population cohorts (gnomAD); In silico analysis supports that this missense variant has a deleterious effect on protein structure/function; Has not been previously published as pathogenic or benign to our knowledge

Labcorp Genetics (formerly Invitae), Labcorp
Classification: Uncertain significance. Last evaluated: 2022-09-13. Review status: criteria provided, single submitter. Criteria: Invitae Variant Classification Sherloc (09022015). Collection method: clinical testing. Allele origin: germline.
Comment: This sequence change replaces leucine, which is neutral and non-polar, with tryptophan, which is neutral and slightly polar, at codon 50 of the DNA2 protein (p.Leu50Trp). This variant is not present in population databases (gnomAD no frequency). This variant has not been reported in the literature in individuals affected with DNA2-related conditions. Advanced modeling of protein sequence and biophysical properties (such as structural, functional, and spatial information, amino acid conservation, physicochemical variation, residue mobility, and thermodynamic stability) performed at Invitae indicates that this missense variant is expected to disrupt DNA2 protein function. In summary, the available evidence is currently insufficient to determine the role of this variant in disease. Therefore, it has been classified as a Variant of Uncertain Significance.

NM_001080449.3(DNA2):c.149T>G (p.Leu50Trp)

Gene: DNA2 (DNA replication helicase/nuclease 2; minus strand). Cytogenetic location: 10q21.3.
Variant type: single nucleotide variant.
Coding change: c.149T>G on transcript NM_001080449.3 (MANE Select); coding-DNA position 149, T replaced by G.
Protein change: p.Leu50Trp; replaces leucine 50 with tryptophan.
Molecular consequence: missense variant. On other transcripts: non-coding transcript variant (1).
Genome position (GRCh38, 1-based): chr10:68,470,089, A>C on the plus strand (T>G on the coding strand, the complement: DNA2 is on the minus strand). VCF-style: chr10-68470089-A-C. GRCh37 (hg19) VCF-style: chr10-70229846-A-C.
Other names: c.149T>G (NM_001080449.2); short protein forms L50W.
Identifiers: ClinVar variation 1719339 (VCV001719339.6), dbSNP rs2494019335, ClinGen allele CA376832121.